The following is an entry in ClinVar:

ClinVar aggregate classification (germline): Conflicting classifications of pathogenicity. Review status: criteria provided, conflicting classifications (1 of 4 stars). 5 submissions from 5 submitters: Uncertain significance (3); Likely benign (1). 1 of the submissions does not count toward it. Last evaluated 2025-07-17.

Conditions:
Hereditary nonpolyposis colorectal neoplasms. Identifiers: MedGen C0009405, MeSH D003123.
Hereditary cancer-predisposing syndrome. Also called: Neoplastic Syndromes, Hereditary; Tumor predisposition; Hereditary neoplastic syndrome; Hereditary Cancer Syndrome. Identifiers: Orphanet 140162, MedGen C0027672, MeSH D009386, MONDO:0015356.
Lynch syndrome. Identifiers: Orphanet 144, MedGen C4552100, MONDO:0005835. Disease mechanism: loss of function.

Allele frequency attached by ClinVar (database versions not stated): TOPMed 0.00002.
gnomAD v4.1: 2 of 1,614,024 alleles (0.00012%); highest among the groups gnomAD compares: African/African-American, 0.0027%; no homozygotes.

Submissions (5):

Ambry Genetics
Classification: Likely benign for Hereditary cancer-predisposing syndrome. Last evaluated: 2025-07-17. Review status: criteria provided, single submitter. Criteria: Ambry Variant Classification Scheme 2023. Collection method: clinical testing. Allele origin: germline.

All of Us Research Program, National Institutes of Health
Classification: Uncertain significance for Lynch syndrome. Last evaluated: 2023-12-13. Review status: criteria provided, single submitter. Criteria: ACMG Guidelines, 2015. Collection method: clinical testing. Allele origin: germline. Inheritance: Autosomal dominant inheritance. Observed: 1 variant allele, 1 heterozygote.
Comment: This missense variant replaces threonine with alanine at codon 597 of the PMS2 protein. Computational prediction suggests that this variant may not impact protein structure and function (internally defined REVEL score threshold <= 0.5, PMID: 27666373). To our knowledge, functional studies have not been reported for this variant. This variant has not been reported in individuals affected with PMS2-related disorders in the literature. This variant has not been identified in the general population by the Genome Aggregation Database (gnomAD). The available evidence is insufficient to determine the role of this variant in disease conclusively. Therefore, this variant is classified as a Variant of Uncertain Significance.

This study involves interpretation of variants in research participants for the purpose of population health screening. Participant phenotype was not available at the time of variant classification. Additional details can be found in publication PMID: 35346344, PMCID: PMC8962531

Labcorp Genetics (formerly Invitae), Labcorp
Classification: Uncertain significance for Hereditary nonpolyposis colorectal neoplasms. Last evaluated: 2023-10-27. Review status: criteria provided, single submitter. Criteria: Invitae Variant Classification Sherloc (09022015). Collection method: clinical testing. Allele origin: germline.
Comment: This sequence change replaces threonine, which is neutral and polar, with alanine, which is neutral and non-polar, at codon 597 of the PMS2 protein (p.Thr597Ala). This variant is not present in population databases (gnomAD no frequency). This variant has not been reported in the literature in individuals affected with PMS2-related conditions. ClinVar contains an entry for this variant (Variation ID: 566405). Advanced modeling of protein sequence and biophysical properties (such as structural, functional, and spatial information, amino acid conservation, physicochemical variation, residue mobility, and thermodynamic stability) performed at Invitae indicates that this missense variant is not expected to disrupt PMS2 protein function with a negative predictive value of 80%. In summary, the available evidence is currently insufficient to determine the role of this variant in disease. Therefore, it has been classified as a Variant of Uncertain Significance.

GeneDx
Classification: Uncertain significance. Last evaluated: 2023-02-16. Review status: criteria provided, single submitter. Criteria: GeneDx Variant Classification Process June 2021. Collection method: clinical testing. Allele origin: germline. Affected: yes.
Comment: Not observed at significant frequency in large population cohorts (gnomAD); In silico analysis supports that this missense variant does not alter protein structure/function; Has not been previously published as pathogenic or benign to our knowledge; This variant is associated with the following publications: (PMID: 20068231, 22949387)

Department of Pathology and Laboratory Medicine, Sinai Health System
Classification: Likely benign. Review status: no assertion criteria provided. Collection method: clinical testing. Allele origin: unknown. Affected: yes. Study: The Canadian Open Genetics Repository (COGR). Not counted in ClinVar's aggregate classification.
Comment: The PMS2 p.Thr597Ala variant was not identified in the literature. The variant was identified in dbSNP (rs1805318) as â€šÃ„Ãºwith other alleleâ€šÃ„Ã¹ and ClinVar (classified as uncertain significance by Invitae). The variant was not identified in the following control databases: the Exome Aggregation Consortium (August 8th 2016), or the Genome Aggregation Database (Feb 27, 2017). The p.Thr597 residue is not conserved in mammals and computational analyses (PolyPhen-2, SIFT, AlignGVGD, BLOSUM, MutationTaster) do not suggest a high likelihood of impact to the protein; however, this information is not predictive enough to rule out pathogenicity. The variant occurs outside of the splicing consensus sequence and in silico or computational prediction software programs (SpliceSiteFinder, MaxEntScan, NNSPLICE, GeneSplicer) do not predict a difference in splicing. In summary, based on the above information the clinical significance of this variant cannot be determined with certainty at this time although we would lean towards a more benign role for this variant. This variant is classified as likely benign.

NM_000535.7(PMS2):c.1789A>G (p.Thr597Ala)

Gene: PMS2 (PMS1 homolog 2, mismatch repair system component; minus strand). Cytogenetic location: 7p22.1.
Variant type: single nucleotide variant.
Coding change: c.1789A>G on transcript NM_000535.7 (MANE Select); coding-DNA position 1789, A replaced by G.
Protein change: p.Thr597Ala; replaces threonine 597 with alanine.
Molecular consequence: missense variant. On other transcripts: non-coding transcript variant (1).
Genome position (GRCh38, 1-based): chr7:5,986,976, T>C on the plus strand (A>G on the coding strand, the complement: PMS2 is on the minus strand). VCF-style: chr7-5986976-T-C. GRCh37 (hg19) VCF-style: chr7-6026607-T-C.
Other names: c.1384A>G, p.Thr462Ala (NM_001322003.2, NM_001322004.2, NM_001322005.2 and 1 more transcripts); c.1633A>G, p.Thr545Ala (NM_001322006.2); c.1471A>G, p.Thr491Ala (NM_001322007.2, NM_001322008.2); c.1228A>G, p.Thr410Ala (NM_001322010.2); c.856A>G, p.Thr286Ala (NM_001322011.2, NM_001322012.2); c.1216A>G, p.Thr406Ala (NM_001322013.2); c.1789A>G, p.Thr597Ala (NM_001322014.2); c.1480A>G, p.Thr494Ala (NM_001322015.2); short protein forms T597A, T494A, T545A, T406A, T410A, T462A, T491A, T286A.
Identifiers: ClinVar variation 566405 (VCV000566405.15), dbSNP rs1805318, ClinGen allele CA153227649.